The following is an entry in ClinVar:

ClinVar aggregate classification (germline): Uncertain significance (1 of 4 stars; one submission).

gnomAD v4.1: 19 of 1,614,030 alleles (0.0012%); highest among the groups gnomAD compares: African/African-American, 0.0053%; no homozygotes.

Submission:

Labcorp Genetics (formerly Invitae), Labcorp
Classification: Uncertain significance. Last evaluated: 2022-11-24. Review status: criteria provided, single submitter. Criteria: Invitae Variant Classification Sherloc (09022015). Collection method: clinical testing. Allele origin: germline.
Comment: This sequence change replaces arginine, which is basic and polar, with glutamine, which is neutral and polar, at codon 876 of the DSCAML1 protein (p.Arg876Gln). This variant is present in population databases (no rsID available, gnomAD 0.01%). This variant has not been reported in the literature in individuals affected with DSCAML1-related conditions. Algorithms developed to predict the effect of missense changes on protein structure and function (SIFT, PolyPhen-2, Align-GVGD) all suggest that this variant is likely to be tolerated. In summary, the available evidence is currently insufficient to determine the role of this variant in disease. Therefore, it has been classified as a Variant of Uncertain Significance.

NM_020693.4(DSCAML1):c.2447G>A (p.Arg816Gln)

Gene: DSCAML1 (DS cell adhesion molecule like 1; minus strand). Cytogenetic location: 11q23.3.
Variant type: single nucleotide variant.
Coding change: c.2447G>A on transcript NM_020693.4 (MANE Select); coding-DNA position 2447, G replaced by A.
Protein change: p.Arg816Gln; replaces arginine 816 with glutamine.
Molecular consequence: missense variant.
Genome position (GRCh38, 1-based): chr11:117,482,075, C>T on the plus strand (G>A on the coding strand, the complement: DSCAML1 is on the minus strand). VCF-style: chr11-117482075-C-T. GRCh37 (hg19) VCF-style: chr11-117352790-C-T.
Other names: c.2447G>A, p.Arg816Gln (NM_001367904.1); short protein forms R816Q.
Identifiers: ClinVar variation 1899107 (VCV001899107.5), dbSNP rs1028890107, ClinGen allele CA229387336.